The following is an entry in ClinVar:

ClinVar aggregate classification (germline): Likely benign. Review status: criteria provided, multiple submitters, no conflicts (2 of 4 stars). 2 submissions from 2 submitters: Likely benign (2). Last evaluated 2025-10-03.

Conditions:
IFT74-related disorder. Also called: IFT74-related condition; IFT74-Related Disorders.

gnomAD v4.1: 3 of 1,612,792 alleles (0.00019%); highest among the groups gnomAD compares: Non-Finnish European, 0.00025%; no homozygotes.

Submissions (2):

PreventionGenetics, part of Exact Sciences
Classification: Likely benign for IFT74-related condition. Last evaluated: 2025-10-03. Review status: criteria provided, single submitter. Criteria: ACMG Guidelines, 2015. Collection method: clinical testing. Allele origin: germline.
Comment: This variant is classified as likely benign based on ACMG/AMP sequence variant interpretation guidelines (Richards et al. 2015 PMID: 25741868, with internal and published modifications).

Labcorp Genetics (formerly Invitae), Labcorp
Classification: Likely benign. Last evaluated: 2024-11-05. Review status: criteria provided, single submitter. Criteria: Invitae Variant Classification Sherloc (09022015). Collection method: clinical testing. Allele origin: germline.

NM_025103.4(IFT74):c.1173C>A (p.Ala391=)

Gene: IFT74 (intraflagellar transport 74; plus strand). Cytogenetic location: 9p21.2.
Variant type: single nucleotide variant.
Coding change: c.1173C>A on transcript NM_025103.4 (MANE Select); coding-DNA position 1173, C replaced by A.
Protein change: p.Ala391=; no amino-acid change (alanine 391 retained).
Molecular consequence: synonymous variant.
Genome position (GRCh38, 1-based): chr9:27,047,338, C>A. VCF-style: chr9-27047338-C-A. GRCh37 (hg19) VCF-style: chr9-27047336-C-A.
Other names: c.1173C>A, p.Ala391= (NM_001099222.3, NM_001099223.3, NM_001349928.2); c.1173C>A (NM_025103.2).
Identifiers: ClinVar variation 3668898 (VCV003668898.3).